The following is an entry in ClinVar:

ClinVar aggregate classification (germline): Benign (1 of 4 stars; one submission).

Allele frequency attached by ClinVar (database versions not stated): gnomAD 0.20409 and 0.21353; TOPMed 0.22643; 1000 Genomes Project 30x 0.36352; 1000 Genomes Project 0.37081.
gnomAD v4.1: 32,408 of 152,112 alleles (21%); highest among the groups gnomAD compares: East Asian, 69%; 4,867 homozygotes.

Submission:

GeneDx
Classification: Benign. Last evaluated: 2018-06-20. Review status: criteria provided, single submitter. Criteria: GeneDx Variant Classification (06012015). Collection method: clinical testing. Allele origin: germline. Affected: yes.
Comment: This variant is considered likely benign or benign based on one or more of the following criteria: it is a conservative change, it occurs at a poorly conserved position in the protein, it is predicted to be benign by multiple in silico algorithms, and/or has population frequency not consistent with disease.

NM_022041.4(GAN):c.1087-161T>C

Gene: GAN (gigaxonin; plus strand). Cytogenetic location: 16q23.2.
Variant type: single nucleotide variant.
Coding change: c.1087-161T>C on transcript NM_022041.4 (MANE Select); 161 bases into the intron before coding-DNA position 1087, T replaced by C.
Molecular consequence: intron variant.
Genome position (GRCh38, 1-based): chr16:81,363,633, T>C. VCF-style: chr16-81363633-T-C. GRCh37 (hg19) VCF-style: chr16-81397238-T-C.
Other names: c.448-161T>C (NM_001377486.1).
Identifiers: ClinVar variation 670529 (VCV000670529.1), dbSNP rs9933250, ClinGen allele CA14303621.